The following is an entry in ClinVar:

NM_017780.4(CHD7):c.277A>G (p.Thr93Ala)

Gene: CHD7 (chromodomain helicase DNA binding protein 7; plus strand). Cytogenetic location: 8q12.2.
Variant type: single nucleotide variant.
Coding change: c.277A>G on transcript NM_017780.4 (MANE Select); coding-DNA position 277, A replaced by G.
Protein change: p.Thr93Ala; replaces threonine 93 with alanine.
Molecular consequence: missense variant.
Genome position (GRCh38, 1-based): chr8:60,741,709, A>G. VCF-style: chr8-60741709-A-G. GRCh37 (hg19) VCF-style: chr8-61654268-A-G.
Other names: c.277A>G, p.Thr93Ala (NM_001316690.1); short protein forms T93A.
Identifiers: ClinVar variation 95780 (VCV000095780.35), dbSNP rs398124317, ClinGen allele CA223279.

ClinVar aggregate classification (germline): Conflicting classifications of pathogenicity. Review status: criteria provided, conflicting classifications (1 of 4 stars). 9 submissions from 9 submitters: Uncertain significance (1); Likely benign (4). 4 of the submissions do not count toward it. Last evaluated 2026-01-14.

Conditions:
CHARGE syndrome (CHARGE). Also called: Hittner Hirsch Kreh syndrome; Coloboma, heart anomaly, choanal atresia, retardation, genital and ear anomalies; CHARGE association; Hall-Hittner syndrome; CHARGE ASSOCIATION--COLOBOMA, HEART ANOMALY, CHOANAL ATRESIA, RETARDATION, GENITAL AND EAR ANOMALIES. Identifiers: Orphanet 138, MedGen C0265354, MONDO:0008965.

Allele frequency attached by ClinVar (database versions not stated): gnomAD 0.00013 and 0.00012; TOPMed 0.00012; ExAC 0.00018; gnomAD exomes 0.00018.
gnomAD v4.1: 275 of 1,613,656 alleles (0.017%); highest among the groups gnomAD compares: Non-Finnish European, 0.021%; no homozygotes.

Submissions (9):

Labcorp Genetics (formerly Invitae), Labcorp
Classification: Likely benign for CHARGE syndrome. Last evaluated: 2026-01-14. Review status: criteria provided, single submitter. Criteria: Invitae Variant Classification Sherloc (09022015). Collection method: clinical testing. Allele origin: germline.

CeGaT Center for Human Genetics Tuebingen
Classification: Likely benign. Last evaluated: 2025-06-01. Review status: criteria provided, single submitter. Criteria: CeGaT Center For Human Genetics Tuebingen Variant Classification Criteria Version 2. Collection method: clinical testing. Allele origin: germline. Affected: yes. Observed: 1 variant allele.
Comment: CHD7: BP4, BS1

Blueprint Genetics
Classification: Likely benign. Last evaluated: 2024-08-21. Review status: criteria provided, single submitter. Criteria: ACMG Guidelines, 2015. Collection method: clinical testing. Allele origin: germline.

GeneDx
Classification: Likely benign. Last evaluated: 2020-03-24. Review status: criteria provided, single submitter. Criteria: GeneDx Variant Classification Process June 2021. Collection method: clinical testing. Allele origin: germline. Affected: yes.
Comment: This variant is associated with the following publications: (PMID: 22461308, 25996639)

Eurofins Ntd Llc (ga)
Classification: Uncertain significance. Last evaluated: 2015-09-02. Review status: criteria provided, single submitter. Criteria: EGL Classification Definitions 2015. Collection method: clinical testing. Allele origin: germline. Observed: 3 variant alleles, 3 heterozygotes.

Clinical Genetics DNA and cytogenetics Diagnostics Lab, Erasmus MC, Erasmus Medical Center
Classification: Likely benign. Review status: no assertion criteria provided. Collection method: clinical testing. Allele origin: germline. Affected: yes. Study: VKGL Data-share Consensus. Not counted in ClinVar's aggregate classification.

Clinical Genetics, Academic Medical Center
Classification: Likely benign. Review status: no assertion criteria provided. Collection method: clinical testing. Allele origin: germline. Affected: yes. Study: VKGL Data-share Consensus. Not counted in ClinVar's aggregate classification.

Diagnostic Laboratory, Department of Genetics, University Medical Center Groningen
Classification: Likely benign. Review status: no assertion criteria provided. Collection method: clinical testing. Allele origin: germline. Affected: yes. Study: VKGL Data-share Consensus. Not counted in ClinVar's aggregate classification.

Joint Genome Diagnostic Labs from Nijmegen and Maastricht, Radboudumc and MUMC+
Classification: Likely benign. Review status: no assertion criteria provided. Collection method: clinical testing. Allele origin: germline. Affected: yes. Study: VKGL Data-share Consensus. Not counted in ClinVar's aggregate classification.